The following is an entry in ClinVar:

NM_001098511.3(KIF2A):c.1919A>T (p.Glu640Val)

Gene: KIF2A (kinesin family member 2A; plus strand). Cytogenetic location: 5q12.1.
Variant type: single nucleotide variant.
Coding change: c.1919A>T on transcript NM_001098511.3 (MANE Select); coding-DNA position 1919, A replaced by T.
Protein change: p.Glu640Val; replaces glutamic acid 640 with valine.
Molecular consequence: missense variant.
Genome position (GRCh38, 1-based): chr5:62,377,668, A>T. VCF-style: chr5-62377668-A-T. GRCh37 (hg19) VCF-style: chr5-61673495-A-T.
Other names: c.1724A>T, p.Glu575Val (NM_001243952.2); c.1748A>T, p.Glu583Val (NM_001243953.2); c.1805A>T, p.Glu602Val (NM_004520.5); short protein forms E575V, E583V, E602V, E640V.
Identifiers: ClinVar variation 1922131 (VCV001922131.5), dbSNP rs2531393692, ClinGen allele CA359821657.

ClinVar aggregate classification (germline): Uncertain significance (1 of 4 stars; one submission).

Submission:

Labcorp Genetics (formerly Invitae), Labcorp
Classification: Uncertain significance. Last evaluated: 2025-05-30. Review status: criteria provided, single submitter. Criteria: Invitae Variant Classification Sherloc (09022015). Collection method: clinical testing. Allele origin: germline.
Comment: This sequence change replaces glutamic acid, which is acidic and polar, with valine, which is neutral and non-polar, at codon 640 of the KIF2A protein (p.Glu640Val). This variant is not present in population databases (gnomAD no frequency). This variant has not been reported in the literature in individuals affected with KIF2A-related conditions. ClinVar contains an entry for this variant (Variation ID: 1922131). An algorithm developed to predict the effect of missense changes on protein structure and function (PolyPhen-2) suggests that this variant is likely to be disruptive. In summary, the available evidence is currently insufficient to determine the role of this variant in disease. Therefore, it has been classified as a Variant of Uncertain Significance.